The following is an entry in ClinVar:

NM_003289.4(TPM2):c.84C>A (p.Asp28Glu)

Gene: TPM2 (tropomyosin 2; minus strand). Cytogenetic location: 9p13.3.
Variant type: single nucleotide variant.
Coding change: c.84C>A on transcript NM_003289.4 (MANE Select); coding-DNA position 84, C replaced by A.
Protein change: p.Asp28Glu; replaces aspartic acid 28 with glutamic acid.
Molecular consequence: missense variant.
Genome position (GRCh38, 1-based): chr9:35,689,734, G>T on the plus strand (C>A on the coding strand, the complement: TPM2 is on the minus strand). VCF-style: chr9-35689734-G-T. GRCh37 (hg19) VCF-style: chr9-35689731-G-T.
Other names: c.84C>A, p.Asp28Glu (NM_001301226.2, NM_001301227.2, NM_213674.1); short protein forms D28E.
Identifiers: ClinVar variation 5007445 (VCV005007445.2).

ClinVar aggregate classification (germline): Uncertain significance (1 of 4 stars; one submission).

Conditions:
Congenital myopathy 23 (CMYO23). Also called: Nemaline myopathy 4, autosomal dominant; NEMALINE MYOPATHY 4; CAP MYOPATHY 2. Identifiers: MedGen C1836447, MONDO:0012240, OMIM 609285.
Arthrogryposis, distal, type 1A. Also called: ARTHROGRYPOSIS MULTIPLEX CONGENITA, DISTAL, TYPE I. Identifiers: Orphanet 1146, MedGen C6022280, MONDO:0007157, OMIM 108120.

Submission:

Juno Genomics, Hangzhou Juno Genomics, Inc
Classification: Uncertain significance for Congenital myopathy 23; Arthrogryposis, distal, type 1A. Review status: criteria provided, single submitter. Criteria: ACMG Guidelines, 2015. Collection method: clinical testing. Allele origin: germline.
Comment: Absent from controls (or at extremely low frequency if recessive) in Genome Aggregation Database.;Missense variant in a gene that has a low rate of benign missense variation.